The following is an entry in ClinVar:

NM_001378120.1(MBD5):c.742G>C (p.Asp248His)

Gene: MBD5 (methyl-CpG binding domain protein 5; plus strand). Cytogenetic location: 2q23.1.
Variant type: single nucleotide variant.
Coding change: c.742G>C on transcript NM_001378120.1 (MANE Select); coding-DNA position 742, G replaced by C.
Protein change: p.Asp248His; replaces aspartic acid 248 with histidine.
Molecular consequence: missense variant.
Genome position (GRCh38, 1-based): chr2:148,468,685, G>C. VCF-style: chr2-148468685-G-C. GRCh37 (hg19) VCF-style: chr2-149226254-G-C.
Other names: c.742G>C, p.Asp248His (NM_018328.5); short protein forms D248H.
Identifiers: ClinVar variation 654882 (VCV000654882.9), dbSNP rs753529014, ClinGen allele CA1899922.

ClinVar aggregate classification (germline): Uncertain significance. Review status: criteria provided, multiple submitters, no conflicts (2 of 4 stars). 2 submissions from 2 submitters: Uncertain significance (2). Last evaluated 2024-09-30.

Conditions:
Inborn genetic diseases. Identifiers: MedGen C0950123, MeSH D030342.
Intellectual developmental disorder, autosomal dominant 1. Also called: Intellectual disability, autosomal dominant 1; MBD5 Haploinsufficiency. Identifiers: Orphanet 228402, MedGen C1969562, MONDO:0007974, OMIM 156200.

Allele frequency attached by ClinVar (database versions not stated): gnomAD exomes 0.00001 and below 0.00001; TOPMed 0.00002; ExAC 0.00001; gnomAD 0.00001.
gnomAD v4.1: 6 of 1,613,758 alleles (0.00037%); highest among the groups gnomAD compares: Non-Finnish European, 0.00051%; no homozygotes.

Submissions (2):

Labcorp Genetics (formerly Invitae), Labcorp
Classification: Uncertain significance for Intellectual developmental disorder, autosomal dominant 1. Last evaluated: 2024-09-30. Review status: criteria provided, single submitter. Criteria: Invitae Variant Classification Sherloc (09022015). Collection method: clinical testing. Allele origin: germline.
Comment: This sequence change replaces aspartic acid, which is acidic and polar, with histidine, which is basic and polar, at codon 248 of the MBD5 protein (p.Asp248His). This variant is present in population databases (rs753529014, gnomAD 0.0009%). This variant has not been reported in the literature in individuals affected with MBD5-related conditions. ClinVar contains an entry for this variant (Variation ID: 654882). Invitae Evidence Modeling of protein sequence and biophysical properties (such as structural, functional, and spatial information, amino acid conservation, physicochemical variation, residue mobility, and thermodynamic stability) indicates that this missense variant is not expected to disrupt MBD5 protein function with a negative predictive value of 80%. In summary, the available evidence is currently insufficient to determine the role of this variant in disease. Therefore, it has been classified as a Variant of Uncertain Significance.

Ambry Genetics
Classification: Uncertain significance for Inborn genetic diseases. Last evaluated: 2021-11-08. Review status: criteria provided, single submitter. Criteria: Ambry Variant Classification Scheme 2023. Collection method: clinical testing. Allele origin: germline.